The following is an entry in ClinVar:

NM_003104.6(SORD):c.234A>G (p.Lys78=)

Gene: SORD (sorbitol dehydrogenase; plus strand). Cytogenetic location: 15q21.1.
Variant type: single nucleotide variant.
Coding change: c.234A>G on transcript NM_003104.6 (MANE Select); coding-DNA position 234, A replaced by G.
Protein change: p.Lys78=; no amino-acid change (lysine 78 retained).
Molecular consequence: synonymous variant. On other transcripts: non-coding transcript variant (1).
Genome position (GRCh38, 1-based): chr15:45,043,390, A>G. VCF-style: chr15-45043390-A-G. GRCh37 (hg19) VCF-style: chr15-45335588-A-G.
Identifiers: ClinVar variation 3777403 (VCV003777403.1).

ClinVar aggregate classification (germline): Uncertain significance (1 of 4 stars; one submission).

Submission:

GeneDx
Classification: Uncertain significance. Last evaluated: 2024-10-08. Review status: criteria provided, single submitter. Criteria: GeneDx Variant Classification Process June 2021. Collection method: clinical testing. Allele origin: germline. Affected: yes.
Comment: In silico analysis supports a deleterious effect on splicing; Has not been previously published as pathogenic or benign to our knowledge